The following is an entry in ClinVar:

ClinVar aggregate classification (germline): Uncertain significance (1 of 4 stars; one submission).

Submission:

GeneDx
Classification: Uncertain significance. Last evaluated: 2022-01-25. Review status: criteria provided, single submitter. Criteria: GeneDx Variant Classification Process June 2021. Collection method: clinical testing. Allele origin: germline. Affected: yes.
Comment: Not observed at significant frequency in large population cohorts (gnomAD); In silico analysis supports that this missense variant has a deleterious effect on protein structure/function; Has not been previously published as pathogenic or benign to our knowledge

NM_006019.4(TCIRG1):c.2411A>G (p.His804Arg)

Gene: TCIRG1 (T cell immune regulator 1, ATPase H+ transporting V0 subunit a3; plus strand). Cytogenetic location: 11q13.2.
Variant type: single nucleotide variant.
Coding change: c.2411A>G on transcript NM_006019.4 (MANE Select); coding-DNA position 2411, A replaced by G.
Protein change: p.His804Arg; replaces histidine 804 with arginine.
Molecular consequence: missense variant.
Genome position (GRCh38, 1-based): chr11:68,050,661, A>G. VCF-style: chr11-68050661-A-G. GRCh37 (hg19) VCF-style: chr11-67818128-A-G.
Other names: c.1517A>G, p.His506Arg (NM_001351059.2); c.1763A>G, p.His588Arg (NM_006053.4); short protein forms H506R, H588R, H804R.
Identifiers: ClinVar variation 1699756 (VCV001699756.2), dbSNP rs2134466707, ClinGen allele CA381592278.
Genomic context (GRCh38, chr11:68,050,661, plus strand): 5'-CCGTGGCTATCCTGCTGGTGATGGAGGGACTCTCAGCCTTCCTGCACGCCCTGCGGCTGC[A>G]CTGGTGAGCGACCACCCACTGGCCTGGGCTGCTCAAGGCGTGAGTTCCCCTCACCAACCC-3'
Protein context (NP_006010.2, residues 794-814): LSAFLHALRL[His804Arg]WVEFQNKFYS